The following is an entry in ClinVar:

NM_000257.4(MYH7):c.368T>C (p.Val123Ala)

Gene: MYH7 (myosin heavy chain 7; minus strand). Cytogenetic location: 14q11.2.
Variant type: single nucleotide variant.
Coding change: c.368T>C on transcript NM_000257.4 (MANE Select); coding-DNA position 368, T replaced by C.
Protein change: p.Val123Ala; replaces valine 123 with alanine.
Molecular consequence: missense variant.
Genome position (GRCh38, 1-based): chr14:23,432,773, A>G on the plus strand (T>C on the coding strand, the complement: MYH7 is on the minus strand). VCF-style: chr14-23432773-A-G. GRCh37 (hg19) VCF-style: chr14-23901982-A-G.
Other names: c.368T>C, p.Val123Ala (NM_001407004.1); short protein forms V123A.
Identifiers: ClinVar variation 3387363 (VCV003387363.2).
Genomic context (GRCh38, chr14:23,432,773, plus strand): 5'-CGGTAGGCAGCCACCACCTCAGGAGTGTACACCGGCAGCCACTTGTAAGGGTTGACGGTG[A>G]CACAGAAGAGGCCCGAGTAGGTCTGGGGATAGAAAAGGAGCAGTGACTTGCCAGTTGCGA-3'
Protein context (NP_000248.2, residues 113-133): MIYTYSGLFC[Val123Ala]TVNPYKWLPV

ClinVar aggregate classification (germline): Uncertain significance. Review status: criteria provided, multiple submitters, no conflicts (2 of 4 stars). 2 submissions from 2 submitters: Uncertain significance (2). Last evaluated 2024-07-29.

Conditions:
Cardiomyopathy (CMYO). Also called: Cardiomyopathies. Identifiers: Orphanet 167848, MedGen C0878544, MONDO:0004994, HP:0001638. Inheritance: Various modes of inheritance.

Submissions (2):

All of Us Research Program, National Institutes of Health
Classification: Uncertain significance for Cardiomyopathy. Last evaluated: 2024-07-29. Review status: criteria provided, single submitter. Criteria: ACMG Guidelines, 2015. Collection method: clinical testing. Allele origin: germline. Inheritance: Autosomal dominant inheritance. Observed: 1 variant allele, 1 heterozygote.
Comment: This missense variant replaces valine with alanine at codon 123 of the MYH7 protein. Computational prediction suggests that this variant may have deleterious impact on protein structure and function (internally defined REVEL score threshold >= 0.7, PMID: 27666373). To our knowledge, functional studies have not been reported for this variant. This variant has not been reported in individuals affected with MYH7-related disorders in the literature. This variant has not been identified in the general population by the Genome Aggregation Database (gnomAD). The available evidence is insufficient to determine the role of this variant in disease conclusively. Therefore, this variant is classified as a Variant of Uncertain Significance.

This study involves interpretation of variants in research participants for the purpose of population health screening. Participant phenotype was not available at the time of variant classification. Additional details can be found in publication PMID: 35346344, PMCID: PMC8962531

Color Diagnostics, LLC DBA Color Health
Classification: Uncertain significance for Cardiomyopathy. Last evaluated: 2024-05-02. Review status: criteria provided, single submitter. Criteria: ACMG Guidelines, 2015. Collection method: clinical testing. Allele origin: germline.
Comment: This missense variant replaces valine with alanine at codon 123 of the MYH7 protein. Computational prediction suggests that this variant may have deleterious impact on protein structure and function (internally defined REVEL score threshold >= 0.7, PMID: 27666373). To our knowledge, functional studies have not been reported for this variant. This variant has not been reported in individuals affected with MYH7-related disorders in the literature. This variant has not been identified in the general population by the Genome Aggregation Database (gnomAD). The available evidence is insufficient to determine the role of this variant in disease conclusively. Therefore, this variant is classified as a Variant of Uncertain Significance.